The following is an entry in ClinVar:

NM_017780.4(CHD7):c.3565C>T (p.Arg1189Cys)

Gene: CHD7 (chromodomain helicase DNA binding protein 7; plus strand). Cytogenetic location: 8q12.2.
Variant type: single nucleotide variant.
Coding change: c.3565C>T on transcript NM_017780.4 (MANE Select); coding-DNA position 3565, C replaced by T.
Protein change: p.Arg1189Cys; replaces arginine 1189 with cysteine.
Molecular consequence: missense variant. On other transcripts: intron variant (1).
Genome position (GRCh38, 1-based): chr8:60,830,364, C>T. VCF-style: chr8-60830364-C-T. GRCh37 (hg19) VCF-style: chr8-61742923-C-T.
Other names: c.3565C>T (NM_017780.3); c.1717-31865C>T (NM_001316690.1); short protein forms R1189C.
Identifiers: ClinVar variation 2658621 (VCV002658621.28), dbSNP rs2487853259, ClinGen allele CA371314994.

ClinVar aggregate classification (germline): Conflicting classifications of pathogenicity. Review status: criteria provided, conflicting classifications (1 of 4 stars). 4 submissions from 4 submitters: Likely pathogenic (1); Uncertain significance (3). Last evaluated 2026-01-12.

Conditions:
CHD7-related CHARGE syndrome. Identifiers: MedGen CN380413, MONDO:1010178, OMIM 214800.

Allele frequency attached by ClinVar (database versions not stated): gnomAD exomes below 0.00001.
gnomAD v4.1: 1 of 1,613,800 alleles (0.000062%); highest among the groups gnomAD compares: South Asian, 0.0011%; no homozygotes.

Submissions (4):

GeneDx
Classification: Uncertain significance. Last evaluated: 2026-01-12. Review status: criteria provided, single submitter. Criteria: GeneDx Variant Classification Process June 2021. Collection method: clinical testing. Allele origin: germline.
Comment: De novo variant with confirmed parentage in a patient reported to have CHARGE syndrome; however, clinical information on the patient is limited (PMID: 39217482); Not observed at significant frequency in large population cohorts (gnomAD); In silico analysis supports that this missense variant has a deleterious effect on protein structure/function; This variant is associated with the following publications: (PMID: 39217482)

Revvity Omics, Revvity
Classification: Uncertain significance. Last evaluated: 2023-06-28. Review status: criteria provided, single submitter. Criteria: ACMG Guidelines, 2015. Collection method: clinical testing. Allele origin: germline.

CeGaT Center for Human Genetics Tuebingen
Classification: Uncertain significance. Last evaluated: 2023-02-01. Review status: criteria provided, single submitter. Criteria: CeGaT Center For Human Genetics Tuebingen Variant Classification Criteria Version 2. Collection method: clinical testing. Allele origin: germline. Affected: yes. Observed: 1 variant allele.
Comment: CHD7: PM2, PP3

Clinical Genetics Service, Universitary Hospital 12 de Octubre
Classification: Likely pathogenic for CHD7-related CHARGE syndrome. Review status: criteria provided, single submitter. Criteria: ACMG Guidelines, 2015. Collection method: clinical testing. Allele origin: de novo. Affected: yes.